The following is an entry in ClinVar:

ClinVar aggregate classification (germline): Uncertain significance (1 of 4 stars; one submission).

Submission:

Ambry Genetics
Classification: Uncertain significance. Last evaluated: 2026-02-24. Review status: criteria provided, single submitter. Criteria: Ambry Variant Classification Scheme 2023. Collection method: clinical testing. Allele origin: germline.
Comment: The p.K1005E variant (also known as c.3013A>G), located in coding exon 1 of the TET2 gene, results from an A to G substitution at nucleotide position 3013. The lysine at codon 1005 is replaced by glutamic acid, an amino acid with similar properties. This amino acid position is conserved. In addition, this alteration is predicted to be tolerated by in silico analysis. Based on the available evidence, the clinical significance of this variant remains unclear.

NM_001127208.3(TET2):c.3013A>G (p.Lys1005Glu)

Genes: TET2 (tet methylcytosine dioxygenase 2; plus strand), TET2-AS1 (TET2 antisense RNA 1; minus strand). Cytogenetic location: 4q24.
Variant type: single nucleotide variant.
Coding change: c.3013A>G on transcript NM_001127208.3 (MANE Select); coding-DNA position 3013, A replaced by G.
Protein change: p.Lys1005Glu; replaces lysine 1005 with glutamic acid.
Molecular consequence: missense variant.
Genome position (GRCh38, 1-based): chr4:105,236,955, A>G. VCF-style: chr4-105236955-A-G. GRCh37 (hg19) VCF-style: chr4-106158112-A-G.
Other names: c.3013A>G, p.Lys1005Glu (NM_017628.4); short protein forms K1005E.
Identifiers: ClinVar variation 4827245 (VCV004827245.1).